The following is an entry in ClinVar:

ClinVar aggregate classification (germline): Uncertain significance. Review status: criteria provided, multiple submitters, no conflicts (2 of 4 stars). 2 submissions from 2 submitters: Uncertain significance (2). Last evaluated 2023-11-15.

gnomAD v4.1: 3 of 1,614,174 alleles (0.00019%); highest among the groups gnomAD compares: Non-Finnish European, 0.00025%; no homozygotes.

Submissions (2):

Ambry Genetics
Classification: Uncertain significance. Last evaluated: 2023-11-15. Review status: criteria provided, single submitter. Criteria: Ambry Variant Classification Scheme 2023. Collection method: clinical testing. Allele origin: germline.
Comment: The p.L135* variant (also known as c.404T>A), located in coding exon 2 of the GALNT12 gene, results from a T to A substitution at nucleotide position 404. This changes the amino acid from a leucine to a stop codon within coding exon 2. This alteration is expected to result in loss of function by premature protein truncation or nonsense-mediated mRNA decay. The evidence for this gene-disease relationship is limited; therefore, the clinical significance of this alteration is unclear.

Labcorp Genetics (formerly Invitae), Labcorp
Classification: Uncertain significance. Last evaluated: 2023-04-15. Review status: criteria provided, single submitter. Criteria: Invitae Variant Classification Sherloc (09022015). Collection method: clinical testing. Allele origin: germline.
Comment: In summary, the available evidence is currently insufficient to determine the role of this variant in disease. Therefore, it has been classified as a Variant of Uncertain Significance. Algorithms developed to predict the effect of sequence changes on RNA splicing suggest that this variant may disrupt the consensus splice site. This variant has not been reported in the literature in individuals affected with GALNT12-related conditions. This variant is not present in population databases (gnomAD no frequency). This sequence change creates a premature translational stop signal (p.Leu135*) in the GALNT12 gene. It is expected to result in an absent or disrupted protein product. However, the current clinical and genetic evidence is not sufficient to establish whether loss-of-function variants in GALNT12 cause disease.

NM_024642.5(GALNT12):c.404T>A (p.Leu135Ter)

Gene: GALNT12 (polypeptide N-acetylgalactosaminyltransferase 12; plus strand). Cytogenetic location: 9q22.33.
Variant type: single nucleotide variant.
Coding change: c.404T>A on transcript NM_024642.5 (MANE Select); coding-DNA position 404, T replaced by A.
Protein change: p.Leu135Ter; replaces leucine 135 with a stop codon.
Molecular consequence: nonsense.
Genome position (GRCh38, 1-based): chr9:98,823,288, T>A. VCF-style: chr9-98823288-T-A. GRCh37 (hg19) VCF-style: chr9-101585570-T-A.
Other names: c.404T>A (NM_024642.4); short protein forms L135*.
Identifiers: ClinVar variation 2851912 (VCV002851912.4), dbSNP rs370705797, ClinGen allele CA374216567.